The following is an entry in ClinVar:

NM_000238.4(KCNH2):c.1836G>A (p.Val612=)

Gene: KCNH2 (potassium voltage-gated channel subfamily H member 2; minus strand). Cytogenetic location: 7q36.1.
Variant type: single nucleotide variant.
Coding change: c.1836G>A on transcript NM_000238.4 (MANE Select); coding-DNA position 1836, G replaced by A.
Protein change: p.Val612=; no amino-acid change (valine 612 retained).
Molecular consequence: synonymous variant. On other transcripts: non-coding transcript variant (2).
Genome position (GRCh38, 1-based): chr7:150,951,557, C>T on the plus strand (G>A on the coding strand, the complement: KCNH2 is on the minus strand). VCF-style: chr7-150951557-C-T. GRCh37 (hg19) VCF-style: chr7-150648645-C-T.
Other names: c.816G>A, p.Val272= (NM_001204798.2, NM_172057.3); c.1548G>A, p.Val516= (NM_001406753.1, NM_001406756.1); c.1659G>A, p.Val553= (NM_001406755.1); c.1536G>A, p.Val512= (NM_001406757.1); c.1836G>A, p.Val612= (NM_172056.3).
Identifiers: ClinVar variation 456896 (VCV000456896.11), dbSNP rs1554425781, ClinGen allele CA458871505.

ClinVar aggregate classification (germline): Likely benign. Review status: criteria provided, multiple submitters, no conflicts (2 of 4 stars). 2 submissions from 2 submitters: Likely benign (2). Last evaluated 2025-06-29.

Conditions:
Long QT syndrome (LQTS). Identifiers: MedGen C0023976, MeSH D008133, MONDO:0002442. Disease mechanism: loss of function. Inheritance: Various modes of inheritance.

Allele frequency attached by ClinVar (database versions not stated): TOPMed below 0.00001.
gnomAD v4.1: 1 of 1,614,240 alleles (0.000062%); highest among the groups gnomAD compares: Non-Finnish European, 0.000085%; no homozygotes.

Submissions (2):

Labcorp Genetics (formerly Invitae), Labcorp
Classification: Likely benign for Long QT syndrome. Last evaluated: 2025-06-29. Review status: criteria provided, single submitter. Criteria: Invitae Variant Classification Sherloc (09022015). Collection method: clinical testing. Allele origin: germline.

All of Us Research Program, National Institutes of Health
Classification: Likely benign for Long QT syndrome. Last evaluated: 2023-04-24. Review status: criteria provided, single submitter. Criteria: ACMG Guidelines, 2015. Collection method: clinical testing. Allele origin: germline. Inheritance: Autosomal dominant inheritance. Observed: 1 variant allele, 1 heterozygote.
Comment: This study involves interpretation of variants in research participants for the purpose of population health screening. Participant phenotype was not available at the time of variant classification. Additional details can be found in publication PMID: 35346344, PMCID: PMC8962531